The following is an entry in ClinVar:

ClinVar aggregate classification (germline): Likely benign (1 of 4 stars; one submission).

Allele frequency attached by ClinVar (database versions not stated): gnomAD exomes 0.00003 and 0.00006; TOPMed 0.00009; gnomAD 0.00031 and 0.00034; 1000 Genomes Project 30x 0.00125.
gnomAD v4.1: 59 of 414,382 alleles (0.014%); highest among the groups gnomAD compares: Admixed American, 0.14%; no homozygotes.

Submission:

GeneDx
Classification: Likely benign. Last evaluated: 2016-03-25. Review status: criteria provided, single submitter. Criteria: GeneDx Variant Classification (06012015). Collection method: clinical testing. Allele origin: germline. Affected: yes.
Comment: This variant is considered likely benign or benign based on one or more of the following criteria: it is a conservative change, it occurs at a poorly conserved position in the protein, it is predicted to be benign by multiple in silico algorithms, and/or has population frequency not consistent with disease.

NM_001614.5(ACTG1):c.-43T>A

Gene: ACTG1 (actin gamma 1; minus strand). Cytogenetic location: 17q25.3.
Variant type: single nucleotide variant.
Coding change: c.-43T>A on transcript NM_001614.5 (MANE Select); 43 bases upstream of the start codon, T replaced by A.
Molecular consequence: 5 prime UTR variant. On other transcripts: non-coding transcript variant (1).
Genome position (GRCh38, 1-based): chr17:81,512,770, A>T on the plus strand (T>A on the coding strand, the complement: ACTG1 is on the minus strand). VCF-style: chr17-81512770-A-T. GRCh37 (hg19) VCF-style: chr17-79479796-A-T.
Other names: c.-162T>A (NM_001199954.3).
Identifiers: ClinVar variation 384952 (VCV000384952.1), dbSNP rs1057522087, ClinGen allele CA16608694.